The following is an entry in ClinVar:

ClinVar aggregate classification (germline): Uncertain significance (1 of 4 stars; one submission).

Conditions:
L-2-hydroxyglutaric aciduria (L2HGA). Identifiers: Orphanet 79314, MedGen C1855995, MONDO:0009370, OMIM 236792, HP:0040144.

Allele frequency attached by ClinVar (database versions not stated): gnomAD exomes below 0.00001.
gnomAD v4.1: 8 of 1,612,516 alleles (0.0005%); highest among the groups gnomAD compares: Non-Finnish European, 0.00068%; no homozygotes.

Submission:

Labcorp Genetics (formerly Invitae), Labcorp
Classification: Uncertain significance for L-2-hydroxyglutaric aciduria. Last evaluated: 2024-10-24. Review status: criteria provided, single submitter. Criteria: Invitae Variant Classification Sherloc (09022015). Collection method: clinical testing. Allele origin: germline.
Comment: This sequence change replaces glutamic acid, which is acidic and polar, with lysine, which is basic and polar, at codon 145 of the L2HGDH protein (p.Glu145Lys). This variant is present in population databases (no rsID available, gnomAD 0.0009%). This variant has not been reported in the literature in individuals affected with L2HGDH-related conditions. ClinVar contains an entry for this variant (Variation ID: 1010897). Invitae Evidence Modeling of protein sequence and biophysical properties (such as structural, functional, and spatial information, amino acid conservation, physicochemical variation, residue mobility, and thermodynamic stability) has been performed for this missense variant. However, the output from this modeling did not meet the statistical confidence thresholds required to predict the impact of this variant on L2HGDH protein function. In summary, the available evidence is currently insufficient to determine the role of this variant in disease. Therefore, it has been classified as a Variant of Uncertain Significance.

NM_024884.3(L2HGDH):c.433G>A (p.Glu145Lys)

Gene: L2HGDH (L-2-hydroxyglutarate dehydrogenase; minus strand). Cytogenetic location: 14q21.3.
Variant type: single nucleotide variant.
Coding change: c.433G>A on transcript NM_024884.3 (MANE Select); coding-DNA position 433, G replaced by A.
Protein change: p.Glu145Lys; replaces glutamic acid 145 with lysine.
Molecular consequence: missense variant.
Genome position (GRCh38, 1-based): chr14:50,294,222, C>T on the plus strand (G>A on the coding strand, the complement: L2HGDH is on the minus strand). VCF-style: chr14-50294222-C-T. GRCh37 (hg19) VCF-style: chr14-50760940-C-T.
Other names: short protein forms E145K.
Identifiers: ClinVar variation 1010897 (VCV001010897.5), dbSNP rs1403658578, ClinGen allele CA389657320.